The following is an entry in ClinVar:

NM_002693.3(POLG):c.2681A>C (p.Gln894Pro)

Gene: POLG (DNA polymerase gamma, catalytic subunit; minus strand). Cytogenetic location: 15q26.1.
Variant type: single nucleotide variant.
Coding change: c.2681A>C on transcript NM_002693.3 (MANE Select); coding-DNA position 2681, A replaced by C.
Protein change: p.Gln894Pro; replaces glutamine 894 with proline.
Molecular consequence: missense variant.
Genome position (GRCh38, 1-based): chr15:89,321,178, T>G on the plus strand (A>C on the coding strand, the complement: POLG is on the minus strand). VCF-style: chr15-89321178-T-G. GRCh37 (hg19) VCF-style: chr15-89864409-T-G.
Other names: c.2681A>C, p.Gln894Pro (NM_001126131.2); short protein forms Q894P.
Identifiers: ClinVar variation 1695478 (VCV001695478.7), dbSNP rs2152061241, ClinGen allele CA393753673.

ClinVar aggregate classification (germline): Uncertain significance. Review status: criteria provided, multiple submitters, no conflicts (2 of 4 stars). 2 submissions from 2 submitters: Uncertain significance (2). Last evaluated 2022-08-24.

Conditions:
Progressive sclerosing poliodystrophy (MTDPS4A). Also called: ALPERS PROGRESSIVE INFANTILE POLIODYSTROPHY; Alpers-Huttenlocher Syndrome (AHS); NEURONAL DEGENERATION OF CHILDHOOD WITH LIVER DISEASE, PROGRESSIVE; Mitochondrial DNA depletion syndrome 4A (Alpers type); Mitochondrial DNA Depletion Syndrome 4A; Alpers Syndrome. Identifiers: Orphanet 726, MedGen C0205710, MONDO:0008758, OMIM 203700.

Submissions (2):

Labcorp Genetics (formerly Invitae), Labcorp
Classification: Uncertain significance for Progressive sclerosing poliodystrophy. Last evaluated: 2022-08-24. Review status: criteria provided, single submitter. Criteria: Invitae Variant Classification Sherloc (09022015). Collection method: clinical testing. Allele origin: germline.
Comment: In summary, the available evidence is currently insufficient to determine the role of this variant in disease. Therefore, it has been classified as a Variant of Uncertain Significance. Algorithms developed to predict the effect of missense changes on protein structure and function (SIFT, PolyPhen-2, Align-GVGD) all suggest that this variant is likely to be disruptive. ClinVar contains an entry for this variant (Variation ID: 1695478). This variant has not been reported in the literature in individuals affected with POLG-related conditions. This variant is not present in population databases (gnomAD no frequency). This sequence change replaces glutamine, which is neutral and polar, with proline, which is neutral and non-polar, at codon 894 of the POLG protein (p.Gln894Pro).

GeneDx
Classification: Uncertain significance. Last evaluated: 2022-01-11. Review status: criteria provided, single submitter. Criteria: GeneDx Variant Classification Process June 2021. Collection method: clinical testing. Allele origin: germline. Affected: yes.
Comment: Not observed at significant frequency in large population cohorts (gnomAD); In silico analysis supports that this missense variant has a deleterious effect on protein structure/function; De novo variant with confirmed parentage; however, the reported clinical features are only partially consistent with the features typically observed in individuals with pathogenic variants in this gene; Has not been previously published as pathogenic or benign to our knowledge